The following is an entry in ClinVar:

NM_001319074.4(RAX2):c.550G>A (p.Ala184Thr)

Gene: RAX2 (retina and anterior neural fold homeobox 2; minus strand). Cytogenetic location: 19p13.3.
Variant type: single nucleotide variant.
Coding change: c.550G>A on transcript NM_001319074.4 (MANE Select); coding-DNA position 550, G replaced by A.
Protein change: p.Ala184Thr; replaces alanine 184 with threonine.
Molecular consequence: missense variant.
Genome position (GRCh38, 1-based): chr19:3,770,626, C>T on the plus strand (G>A on the coding strand, the complement: RAX2 is on the minus strand). VCF-style: chr19-3770626-C-T. GRCh37 (hg19) VCF-style: chr19-3770624-C-T.
Other names: c.550G>A, p.Ala184Thr (NM_032753.4); short protein forms A184T.
Identifiers: ClinVar variation 2012305 (VCV002012305.4), dbSNP rs2512317136, ClinGen allele CA403373915.
Genomic context (GRCh38, chr19:3,770,626, plus strand): 5'-GCACGTCCCCGGTTCTCGGGTTGGGCCGAGGAGGGGGCCCGGGAGGGCGGCAGGCTCAGG[C>T]TGGCGGCCAGGCCCTGTCCAGAGCCTGTGCATGTTCCTTGGCCAGCAGCCGCAGGGACGC-3'
Protein context (NP_001306003.2, residues 174-184): AQALDRAWPP[Ala184Thr]

ClinVar aggregate classification (germline): Uncertain significance (1 of 4 stars; one submission).

Submission:

Labcorp Genetics (formerly Invitae), Labcorp
Classification: Uncertain significance. Last evaluated: 2022-06-29. Review status: criteria provided, single submitter. Criteria: Invitae Variant Classification Sherloc (09022015). Collection method: clinical testing. Allele origin: germline.
Comment: In summary, the available evidence is currently insufficient to determine the role of this variant in disease. Therefore, it has been classified as a Variant of Uncertain Significance. Algorithms developed to predict the effect of missense changes on protein structure and function are either unavailable or do not agree on the potential impact of this missense change (SIFT: "Tolerated"; PolyPhen-2: "Possibly Damaging"; Align-GVGD: "Class C0"). This variant has not been reported in the literature in individuals affected with RAX2-related conditions. This variant is not present in population databases (gnomAD no frequency). This sequence change replaces alanine, which is neutral and non-polar, with threonine, which is neutral and polar, at codon 184 of the RAX2 protein (p.Ala184Thr).